The following is an entry in ClinVar:

NM_023110.3(FGFR1):c.1264C>G (p.Pro422Ala)

Gene: FGFR1 (fibroblast growth factor receptor 1; minus strand). Cytogenetic location: 8p11.23.
Variant type: single nucleotide variant.
Coding change: c.1264C>G on transcript NM_023110.3 (MANE Select); coding-DNA position 1264, C replaced by G.
Protein change: p.Pro422Ala; replaces proline 422 with alanine.
Molecular consequence: missense variant.
Genome position (GRCh38, 1-based): chr8:38,419,553, G>C on the plus strand (C>G on the coding strand, the complement: FGFR1 is on the minus strand). VCF-style: chr8-38419553-G-C. GRCh37 (hg19) VCF-style: chr8-38277071-G-C.
Other names: c.1264C>G, p.Pro422Ala (NM_001174063.2); c.1240C>G, p.Pro414Ala (NM_001174064.2); c.1258C>G, p.Pro420Ala (NM_001174065.2, NM_001354367.2, NM_001354369.2 and 1 more transcripts); c.997C>G, p.Pro333Ala (NM_001174066.2, NM_023105.3); c.1357C>G, p.Pro453Ala (NM_001174067.2); c.991C>G, p.Pro331Ala (NM_001354368.2, NM_001354370.2, NM_023106.3); short protein forms P420A, P331A, P414A, P453A, P333A, P422A.
Identifiers: ClinVar variation 910877 (VCV000910877.4), dbSNP rs1817948350, ClinGen allele CA370733558.

ClinVar aggregate classification (germline): Uncertain significance. Review status: criteria provided, single submitter (1 of 4 stars). 4 submissions from 1 submitter: Uncertain significance (4). Last evaluated 2017-04-27.

Conditions:
Craniosynostosis syndrome. Also called: Craniosynostosis. Identifiers: Orphanet 1531, MedGen C0010278, MeSH D003398, MONDO:0015469, HP:0001363.
Trigonocephaly 1 (TRIGNO1). Identifiers: Orphanet 3366, MedGen C0432122, MONDO:0008603, OMIM 190440.
Osteoglophonic dysplasia (OGD). Also called: Osteoglophonic dwarfism. Identifiers: Orphanet 2645, MedGen C0432283, MONDO:0008150, OMIM 166250.
Hypogonadotropic hypogonadism 2 with or without anosmia (HH2). Also called: FGFR1-Related GnRH Deficiency (Kallmann Syndrome 2); HYPOGONADOTROPIC HYPOGONADISM 2 WITHOUT ANOSMIA; HYPOGONADOTROPIC HYPOGONADISM 2 WITH OR WITHOUT ANOSMIA, SUSCEPTIBILITY TO; HYPOGONADOTROPIC HYPOGONADISM 2 WITHOUT ANOSMIA, SUSCEPTIBILITY TO. Identifiers: Orphanet 478, MedGen C1563720, MONDO:0007844, OMIM 147950. Disease mechanism: loss of function.

Submissions (4):

Illumina Laboratory Services, Illumina
Classification: Uncertain significance for Osteoglophonic dysplasia. Last evaluated: 2017-04-27. Review status: criteria provided, single submitter. Criteria: ICSL Variant Classification Criteria 13 December 2019. Collection method: clinical testing. Allele origin: germline.
Comment: This variant was observed as part of a predisposition screen in an ostensibly healthy population. A literature search was performed for the gene, cDNA change, and amino acid change (where applicable). Publications were found based on this search. However, the evidence from the literature, in combination with allele frequency data from public databases where available, was not sufficient to rule this variant in or out of causing disease. Therefore, this variant is classified as a variant of unknown significance.

Illumina Laboratory Services, Illumina
Classification: Uncertain significance for Craniosynostosis. Last evaluated: 2017-04-27. Review status: criteria provided, single submitter. Criteria: ICSL Variant Classification Criteria 13 December 2019. Collection method: clinical testing. Allele origin: germline.
Comment: the same text as in the submission from Illumina Laboratory Services, Illumina above.

Illumina Laboratory Services, Illumina
Classification: Uncertain significance for Hypogonadotropic hypogonadism 2 with or without anosmia. Last evaluated: 2017-04-27. Review status: criteria provided, single submitter. Criteria: ICSL Variant Classification Criteria 13 December 2019. Collection method: clinical testing. Allele origin: germline.
Comment: the same text as in the submission from Illumina Laboratory Services, Illumina above.

Illumina Laboratory Services, Illumina
Classification: Uncertain significance for Trigonocephaly 1. Last evaluated: 2017-04-27. Review status: criteria provided, single submitter. Criteria: ICSL Variant Classification Criteria 13 December 2019. Collection method: clinical testing. Allele origin: germline.
Comment: the same text as in the submission from Illumina Laboratory Services, Illumina above.

Literature cited by the submitters: PubMed 10629055.